The following is an entry in ClinVar:

ClinVar aggregate classification (germline): Uncertain significance (1 of 4 stars; one submission).

Conditions:
RASopathy. Also called: Noonan spectrum disorder; rasopathies. Identifiers: Orphanet 536391, MedGen C5555857, MONDO:0021060.

Submission:

Labcorp Genetics (formerly Invitae), Labcorp
Classification: Uncertain significance for RASopathy. Last evaluated: 2020-12-13. Review status: criteria provided, single submitter. Criteria: Invitae Variant Classification Sherloc (09022015). Collection method: clinical testing. Allele origin: germline.
Comment: Advanced modeling of protein sequence and biophysical properties (such as structural, functional, and spatial information, amino acid conservation, physicochemical variation, residue mobility, and thermodynamic stability) performed at Invitae indicates that this missense variant is expected to disrupt SOS1 protein function. This variant has not been reported in the literature in individuals with SOS1-related conditions. ClinVar contains an entry for this variant (Variation ID: 838591). This variant is not present in population databases (ExAC no frequency). This sequence change replaces histidine with glutamine at codon 700 of the SOS1 protein (p.His700Gln). The histidine residue is highly conserved and there is a small physicochemical difference between histidine and glutamine. In summary, the available evidence is currently insufficient to determine the role of this variant in disease. Therefore, it has been classified as a Variant of Uncertain Significance.

NM_005633.4(SOS1):c.2100C>G (p.His700Gln)

Gene: SOS1 (SOS Ras/Rac guanine nucleotide exchange factor 1; minus strand). Cytogenetic location: 2p22.1.
Variant type: single nucleotide variant.
Coding change: c.2100C>G on transcript NM_005633.4 (MANE Select); coding-DNA position 2100, C replaced by G.
Protein change: p.His700Gln; replaces histidine 700 with glutamine.
Molecular consequence: missense variant.
Genome position (GRCh38, 1-based): chr2:39,013,527, G>C on the plus strand (C>G on the coding strand, the complement: SOS1 is on the minus strand). VCF-style: chr2-39013527-G-C. GRCh37 (hg19) VCF-style: chr2-39240668-G-C.
Other names: c.2079C>G, p.His693Gln (NM_001382394.1); c.2100C>G, p.His700Gln (NM_001382395.1); short protein forms H700Q, H693Q.
Identifiers: ClinVar variation 838591 (VCV000838591.10), dbSNP rs1461692001, ClinGen allele CA346364649.
Genomic context (GRCh38, chr2:39,013,527, plus strand): 5'-TGTTCCAATAAATTCTTCCATTCGTTGCAAAAGATATGCATCTCTTTCAAAATCATAGAA[G>C]TGGTGCTCTACCCAGTGCCGACATACATTTAATACTCTATGGCATTAACACAGAATTGAA-3'
Protein context (NP_005624.2, residues 690-710): LNVCRHWVEH[His700Gln]FYDFERDAYL